The following is an entry in ClinVar:

ClinVar aggregate classification (germline): Uncertain significance (1 of 4 stars; one submission).

Conditions:
Ataxia-telangiectasia syndrome (AT). Also called: Ataxia telangiectasia (A-T); ATAXIA-TELANGIECTASIA, COMPLEMENTATION GROUP A; ATAXIA-TELANGIECTASIA, FRESNO VARIANT; Ataxia-telangiectasia; Ataxia-telangiectasia, complementation group E; LOUIS-BAR SYNDROME. Identifiers: Orphanet 100, MedGen C0004135, MONDO:0008840, OMIM 208900.

Submission:

Labcorp Genetics (formerly Invitae), Labcorp
Classification: Uncertain significance for Ataxia-telangiectasia syndrome. Last evaluated: 2020-05-20. Review status: criteria provided, single submitter. Criteria: Invitae Variant Classification Sherloc (09022015). Collection method: clinical testing. Allele origin: germline.
Comment: In summary, the available evidence is currently insufficient to determine the role of this variant in disease. Therefore, it has been classified as a Variant of Uncertain Significance. Experimental studies and prediction algorithms are not available or were not evaluated, and the functional significance of this variant is currently unknown. This variant has not been reported in the literature in individuals with ATM-related conditions. This variant is not present in population databases (ExAC no frequency). This variant, c.8148_8150dup, results in the insertion of 1 amino acid(s) to the ATM protein (p.Val2716_Lys2717insAsn), but otherwise preserves the integrity of the reading frame.

NM_000051.4(ATM):c.8148_8150dup (p.Val2716_Lys2717insAsn)

Genes: ATM (ATM serine/threonine kinase; plus strand), C11orf65 (chromosome 11 open reading frame 65; minus strand). Cytogenetic location: 11q22.3.
Variant type: Duplication.
Coding change: c.8148_8150dup on transcript NM_000051.4 (MANE Select); coding-DNA positions 8148 to 8150, 3 bases duplicated (TAA; older notation c.8148_8150dupTAA).
Protein change: p.Val2716_Lys2717insAsn.
Molecular consequence: inframe insertion. On other transcripts: intron variant (2).
Genome position (GRCh38, 1-based): chr11:108,335,106-108,335,108, TAA duplicated. VCF-style (leftmost placement, unchanged base first): chr11-108335105-T-TTAA. GRCh37 (hg19) VCF-style: chr11-108205832-T-TTAA.
Other names: c.8148_8150dup, p.Val2716_Lys2717insAsn (NM_001351834.2); c.641-26037_641-26035dup (NM_001330368.2); c.*38+112_*38+114dup (NM_001351110.2).
Identifiers: ClinVar variation 1022692 (VCV001022692.10), dbSNP rs2086692643, ClinGen allele CA1998812400.
Genomic context (GRCh38, chr11:108,335,105, plus strand): 5'-TAAATTTACCAAAAATAATAGATTGTGTAGGTTCCGATGGCAAGGAGAGGAGACAGCTTG[T>TTAA]TAAGGTGAGCCTTCCCTTCTCTGGCTTAGCCCTTAGAGTTTTAGTGATGAAAATTTTTAG-3'